The following is an entry in ClinVar:

ClinVar aggregate classification (germline): Uncertain significance (1 of 4 stars; one submission).

Conditions:
Dyskeratosis congenita, autosomal dominant 2. Identifiers: MedGen C3151443, MONDO:0013521, OMIM 613989.
Idiopathic Pulmonary Fibrosis. Also called: Idiopathic fibrosing alveolitis, chronic form; idiopathic fibrosing alveolitis. Identifiers: Orphanet 2032, MedGen C1800706, MeSH D054990, MONDO:0800504.

Submission:

Labcorp Genetics (formerly Invitae), Labcorp
Classification: Uncertain significance for Dyskeratosis congenita, autosomal dominant 2; Idiopathic Pulmonary Fibrosis. Last evaluated: 2022-02-24. Review status: criteria provided, single submitter. Criteria: Invitae Variant Classification Sherloc (09022015). Collection method: clinical testing. Allele origin: germline.
Comment: In summary, the available evidence is currently insufficient to determine the role of this variant in disease. Therefore, it has been classified as a Variant of Uncertain Significance. Advanced modeling of protein sequence and biophysical properties (such as structural, functional, and spatial information, amino acid conservation, physicochemical variation, residue mobility, and thermodynamic stability) performed at Invitae indicates that this missense variant is not expected to disrupt TERT protein function. ClinVar contains an entry for this variant (Variation ID: 539206). This variant has not been reported in the literature in individuals affected with TERT-related conditions. This variant is not present in population databases (gnomAD no frequency). This sequence change replaces arginine, which is basic and polar, with leucine, which is neutral and non-polar, at codon 610 of the TERT protein (p.Arg610Leu).

NM_198253.3(TERT):c.1829G>T (p.Arg610Leu)

Gene: TERT (telomerase reverse transcriptase; minus strand). Cytogenetic location: 5p15.33.
Variant type: single nucleotide variant.
Coding change: c.1829G>T on transcript NM_198253.3 (MANE Select); coding-DNA position 1829, G replaced by T.
Protein change: p.Arg610Leu; replaces arginine 610 with leucine.
Molecular consequence: missense variant. On other transcripts: non-coding transcript variant (2).
Genome position (GRCh38, 1-based): chr5:1,280,279, C>A on the plus strand (G>T on the coding strand, the complement: TERT is on the minus strand). VCF-style: chr5-1280279-C-A. GRCh37 (hg19) VCF-style: chr5-1280394-C-A.
Other names: c.1829G>T, p.Arg610Leu (NM_001193376.3); short protein forms R610L.
Identifiers: ClinVar variation 539206 (VCV000539206.9), dbSNP rs776763536, ClinGen allele CA359081875.